The following is an entry in ClinVar:

ClinVar aggregate classification (germline): Uncertain significance. Review status: criteria provided, multiple submitters, no conflicts (2 of 4 stars). 4 submissions from 4 submitters: Uncertain significance (4). Last evaluated 2026-06-03.

Conditions:
Inborn genetic diseases. Identifiers: MedGen C0950123, MeSH D030342.
Bardet-Biedl syndrome (BBS). Identifiers: Orphanet 110, MedGen C0752166, MONDO:0015229.
BBS7-related disorder. Also called: BBS7-related condition.
Bardet-Biedl syndrome 7 (BBS7). Identifiers: Orphanet 110, MedGen C1859565, MONDO:0014435, OMIM 615984.

Allele frequency attached by ClinVar (database versions not stated): gnomAD exomes below 0.00001 and 0.00001; gnomAD 0.00001; TOPMed 0.00003; ESP Exome Variant Server 0.00008.
gnomAD v4.1: 12 of 1,613,670 alleles (0.00074%); highest among the groups gnomAD compares: African/African-American, 0.015%; no homozygotes.

Submissions (4):

PreventionGenetics, part of Exact Sciences
Classification: Uncertain significance for BBS7-related condition. Last evaluated: 2026-06-03. Review status: criteria provided, single submitter. Criteria: ACMG Guidelines, 2015. Collection method: clinical testing. Allele origin: germline.
Comment: The BBS7 c.479G>A variant is predicted to result in the amino acid substitution p.Arg160His. To our knowledge, this variant has not been reported in the literature. This variant is reported in 0.0062% of alleles in individuals of African descent in gnomAD. At this time, the clinical significance of this variant is uncertain due to the absence of conclusive functional and genetic evidence.

Ambry Genetics
Classification: Uncertain significance for Inborn genetic diseases. Last evaluated: 2025-09-29. Review status: criteria provided, single submitter. Criteria: Ambry Variant Classification Scheme 2023. Collection method: clinical testing. Allele origin: germline.

Labcorp Genetics (formerly Invitae), Labcorp
Classification: Uncertain significance for Bardet-Biedl syndrome. Last evaluated: 2024-10-22. Review status: criteria provided, single submitter. Criteria: Invitae Variant Classification Sherloc (09022015). Collection method: clinical testing. Allele origin: germline.
Comment: This sequence change replaces arginine, which is basic and polar, with histidine, which is basic and polar, at codon 160 of the BBS7 protein (p.Arg160His). This variant is not present in population databases (gnomAD no frequency). This variant has not been reported in the literature in individuals affected with BBS7-related conditions. ClinVar contains an entry for this variant (Variation ID: 962347). Invitae Evidence Modeling of protein sequence and biophysical properties (such as structural, functional, and spatial information, amino acid conservation, physicochemical variation, residue mobility, and thermodynamic stability) indicates that this missense variant is not expected to disrupt BBS7 protein function with a negative predictive value of 80%. In summary, the available evidence is currently insufficient to determine the role of this variant in disease. Therefore, it has been classified as a Variant of Uncertain Significance.

Fulgent Genetics
Classification: Uncertain significance for Bardet-Biedl syndrome 7. Last evaluated: 2022-03-30. Review status: criteria provided, single submitter. Criteria: ACMG Guidelines, 2015. Collection method: clinical testing. Allele origin: unknown.

NM_176824.3(BBS7):c.479G>A (p.Arg160His)

Gene: BBS7 (Bardet-Biedl syndrome 7; minus strand). Cytogenetic location: 4q27.
Variant type: single nucleotide variant.
Coding change: c.479G>A on transcript NM_176824.3 (MANE Select); coding-DNA position 479, G replaced by A.
Protein change: p.Arg160His; replaces arginine 160 with histidine.
Molecular consequence: missense variant.
Genome position (GRCh38, 1-based): chr4:121,859,041, C>T on the plus strand (G>A on the coding strand, the complement: BBS7 is on the minus strand). VCF-style: chr4-121859041-C-T. GRCh37 (hg19) VCF-style: chr4-122780196-C-T.
Other names: c.479G>A, p.Arg160His (NM_018190.4); short protein forms R160H.
Identifiers: ClinVar variation 962347 (VCV000962347.8), dbSNP rs138270119, ClinGen allele CA104729808.